The following is an entry in ClinVar:

NM_001023570.4(IQCB1):c.1509C>G (p.Ala503=)

Gene: IQCB1 (IQ motif containing B1; minus strand). Cytogenetic location: 3q13.33.
Variant type: single nucleotide variant.
Coding change: c.1509C>G on transcript NM_001023570.4 (MANE Select); coding-DNA position 1509, C replaced by G.
Protein change: p.Ala503=; no amino-acid change (alanine 503 retained).
Molecular consequence: synonymous variant. On other transcripts: non-coding transcript variant (1).
Genome position (GRCh38, 1-based): chr3:121,772,615, G>C on the plus strand (C>G on the coding strand, the complement: IQCB1 is on the minus strand). VCF-style: chr3-121772615-G-C. GRCh37 (hg19) VCF-style: chr3-121491462-G-C.
Other names: c.1110C>G, p.Ala370= (NM_001023571.4); c.1509C>G, p.Ala503= (NM_001319107.2).
Identifiers: ClinVar variation 901542 (VCV000901542.15), dbSNP rs149259534, ClinGen allele CA2567077.

ClinVar aggregate classification (germline): Benign/Likely benign. Review status: criteria provided, multiple submitters, no conflicts (2 of 4 stars). 5 submissions from 5 submitters: Benign (1); Likely benign (4). Last evaluated 2025-11-09.

Conditions:
Nephronophthisis. Also called: Juvenile Nephronophthisis. Identifiers: Orphanet 655, MedGen C0687120, MONDO:0019005, HP:0000090.
Senior-Loken syndrome 5 (SLSN5). Identifiers: Orphanet 3156, MedGen C1836517, MONDO:0012225, OMIM 609254.

Allele frequency attached by ClinVar (database versions not stated): gnomAD 0.00006 and 0.00007; gnomAD exomes 0.00011 and 0.00026; TOPMed 0.00015; ExAC 0.00028; 1000 Genomes Project 30x 0.00078; 1000 Genomes Project 0.00100.
gnomAD v4.1: 175 of 1,614,192 alleles (0.011%); highest among the groups gnomAD compares: East Asian, 0.31%; 2 homozygotes.

Submissions (5):

Labcorp Genetics (formerly Invitae), Labcorp
Classification: Benign for Nephronophthisis. Last evaluated: 2025-11-09. Review status: criteria provided, single submitter. Criteria: Invitae Variant Classification Sherloc (09022015). Collection method: clinical testing. Allele origin: germline.

Blueprint Genetics
Classification: Likely benign. Last evaluated: 2024-05-16. Review status: criteria provided, single submitter. Criteria: ACMG Guidelines, 2015. Collection method: clinical testing. Allele origin: germline.

Fulgent Genetics
Classification: Likely benign for Senior-Loken syndrome 5. Last evaluated: 2021-10-17. Review status: criteria provided, single submitter. Criteria: ACMG Guidelines, 2015. Collection method: clinical testing. Allele origin: unknown.

Illumina Laboratory Services, Illumina
Classification: Likely benign for Senior-Loken syndrome 5. Last evaluated: 2018-01-13. Review status: criteria provided, single submitter. Criteria: ICSL Variant Classification Criteria 13 December 2019. Collection method: clinical testing. Allele origin: germline.
Comment: This variant was observed in the ICSL laboratory as part of a predisposition screen in an ostensibly healthy population. It had not been previously curated by ICSL or reported in the Human Gene Mutation Database (HGMD: prior to June 1st, 2018), and was therefore a candidate for classification through an automated scoring system. Utilizing variant allele frequency, disease prevalence and penetrance estimates, and inheritance mode, an automated score was calculated to assess if this variant is too frequent to cause the disease. Based on the score and internal cut-off values, a variant classified as likely benign is not then subjected to further curation. The score for this variant resulted in a classification of likely benign for this disease.

Breakthrough Genomics
Classification: Likely benign. Review status: criteria provided, single submitter. Criteria: ACMG Guidelines, 2015. Collection method: not provided. Allele origin: germline. Inheritance: Autosomal recessive inheritance. Affected: yes.